The following is an entry in ClinVar:

NM_000368.5(TSC1):c.3415C>T (p.His1139Tyr)

Gene: TSC1 (TSC complex subunit 1; minus strand). Cytogenetic location: 9q34.13.
Variant type: single nucleotide variant.
Coding change: c.3415C>T on transcript NM_000368.5 (MANE Select); coding-DNA position 3415, C replaced by T.
Protein change: p.His1139Tyr; replaces histidine 1139 with tyrosine.
Molecular consequence: missense variant.
Genome position (GRCh38, 1-based): chr9:132,896,315, G>A on the plus strand (C>T on the coding strand, the complement: TSC1 is on the minus strand). VCF-style: chr9-132896315-G-A. GRCh37 (hg19) VCF-style: chr9-135771702-G-A.
Other names: c.3412C>T, p.His1138Tyr (NM_001162426.2); c.3262C>T, p.His1088Tyr (NM_001162427.2); c.3052C>T, p.His1018Tyr (NM_001362177.2); short protein forms H1018Y, H1088Y, H1138Y, H1139Y.
Identifiers: ClinVar variation 1009757 (VCV001009757.13), dbSNP rs1845031012, ClinGen allele CA375366418.

ClinVar aggregate classification (germline): Conflicting classifications of pathogenicity. Review status: criteria provided, conflicting classifications (1 of 4 stars). 3 submissions from 3 submitters: Uncertain significance (2); Likely benign (1). Last evaluated 2026-01-21.

Conditions:
Isolated focal cortical dysplasia type II (FCORD2). Also called: Focal cortical dysplasia type II; CORTICAL DYSPLASIA OF TAYLOR. Identifiers: Orphanet 268994, MedGen C1846385, MONDO:0011818, OMIM 607341, HP:0032051.
Tuberous sclerosis 1 (TSC1). Identifiers: Orphanet 805, MedGen C1854465, MONDO:0008612, OMIM 191100.
Hereditary cancer-predisposing syndrome. Also called: Tumor predisposition; Hereditary Cancer Syndrome; Neoplastic Syndromes, Hereditary; Hereditary neoplastic syndrome. Identifiers: Orphanet 140162, MedGen C0027672, MeSH D009386, MONDO:0015356.

Allele frequency attached by ClinVar (database versions not stated): TOPMed below 0.00001.

Submissions (3):

Labcorp Genetics (formerly Invitae), Labcorp
Classification: Uncertain significance for Tuberous sclerosis 1. Last evaluated: 2026-01-21. Review status: criteria provided, single submitter. Criteria: Invitae Variant Classification Sherloc (09022015). Collection method: clinical testing. Allele origin: germline.
Comment: This sequence change replaces histidine, which is basic and polar, with tyrosine, which is neutral and polar, at codon 1139 of the TSC1 protein (p.His1139Tyr). This variant is not present in population databases (gnomAD no frequency). This variant has not been reported in the literature in individuals affected with TSC1-related conditions. ClinVar contains an entry for this variant (Variation ID: 1009757). Invitae Evidence Modeling of protein sequence and biophysical properties (such as structural, functional, and spatial information, amino acid conservation, physicochemical variation, residue mobility, and thermodynamic stability) indicates that this missense variant is not expected to disrupt TSC1 protein function with a negative predictive value of 95%. In summary, the available evidence is currently insufficient to determine the role of this variant in disease. Therefore, it has been classified as a Variant of Uncertain Significance.

Ambry Genetics
Classification: Likely benign for Hereditary cancer-predisposing syndrome. Last evaluated: 2024-06-07. Review status: criteria provided, single submitter. Criteria: Ambry Variant Classification Scheme 2023. Collection method: clinical testing. Allele origin: germline.

Baylor Genetics
Classification: Uncertain significance for Isolated focal cortical dysplasia type II. Last evaluated: 2023-01-10. Review status: criteria provided, single submitter. Criteria: ACMG Guidelines, 2015. Collection method: clinical testing. Allele origin: unknown.